The following is an entry in ClinVar:

NM_000059.4(BRCA2):c.223G>A (p.Ala75Thr)

Gene: BRCA2 (BRCA2 DNA repair associated; plus strand). Cytogenetic location: 13q13.1.
Variant type: single nucleotide variant.
Coding change: c.223G>A on transcript NM_000059.4 (MANE Select); coding-DNA position 223, G replaced by A.
Protein change: p.Ala75Thr; replaces alanine 75 with threonine.
Molecular consequence: missense variant.
Genome position (GRCh38, 1-based): chr13:32,319,232, G>A. VCF-style: chr13-32319232-G-A. GRCh37 (hg19) VCF-style: chr13-32893369-G-A.
Other names: c.223G>A, p.Ala75Thr (NM_001406719.1, NM_001406720.1, NM_001406721.1); c.-147G>A (NM_001406722.1); short protein forms A75T.
Identifiers: ClinVar variation 1788259 (VCV001788259.2), dbSNP rs28897701, ClinGen allele CA387754471.

ClinVar aggregate classification (germline): Uncertain significance (1 of 4 stars; one submission).

Conditions:
Hereditary cancer-predisposing syndrome. Also called: Neoplastic Syndromes, Hereditary; Tumor predisposition; Hereditary Cancer Syndrome; Hereditary neoplastic syndrome. Identifiers: Orphanet 140162, MedGen C0027672, MeSH D009386, MONDO:0015356.

Submission:

Ambry Genetics
Classification: Uncertain significance for Hereditary cancer-predisposing syndrome. Last evaluated: 2022-03-08. Review status: criteria provided, single submitter. Criteria: Ambry Variant Classification Scheme 2023. Collection method: clinical testing. Allele origin: germline.
Comment: The p.A75T variant (also known as c.223G>A), located in coding exon 2 of the BRCA2 gene, results from a G to A substitution at nucleotide position 223. The alanine at codon 75 is replaced by threonine, an amino acid with similar properties. This amino acid position is well conserved in available vertebrate species. In addition, this alteration is predicted to be tolerated by in silico analysis. Since supporting evidence is limited at this time, the clinical significance of this alteration remains unclear.